The following is an entry in ClinVar:

NM_001199107.2(TBC1D24):c.152G>A (p.Arg51Gln)

Gene: TBC1D24 (TBC1 domain family member 24; plus strand). Cytogenetic location: 16p13.3.
Variant type: single nucleotide variant.
Coding change: c.152G>A on transcript NM_001199107.2 (MANE Select); coding-DNA position 152, G replaced by A.
Protein change: p.Arg51Gln; replaces arginine 51 with glutamine.
Molecular consequence: missense variant.
Genome position (GRCh38, 1-based): chr16:2,496,300, G>A. VCF-style: chr16-2496300-G-A. GRCh37 (hg19) VCF-style: chr16-2546301-G-A.
Other names: c.152G>A, p.Arg51Gln (NM_020705.3); short protein forms R51Q.
Identifiers: ClinVar variation 1005891 (VCV001005891.10), dbSNP rs780286465, ClinGen allele CA7843933.

ClinVar aggregate classification (germline): Uncertain significance. Review status: criteria provided, multiple submitters, no conflicts (2 of 4 stars). 2 submissions from 2 submitters: Uncertain significance (2). Last evaluated 2025-11-03.

Conditions:
Autosomal dominant nonsyndromic hearing loss 65. Also called: TBC1D24-Related Autosomal Dominant Nonsyndromic Hearing Loss (DFNA); Deafness, autosomal dominant 65. Identifiers: Orphanet 90635, MedGen C3892048, MONDO:0014470, OMIM 616044.
Developmental and epileptic encephalopathy, 1 (DEE1). Also called: INFANTILE SPASM SYNDROME, X-LINKED 1; X-linked infantile spasms; West's syndrome; Tonic spasms with clustering, arrest of psychomotor development and hypsarrhythmia on EEG; X-Linked Infantile Spasm Syndrome; Epileptic encephalopathy, early infantile, 1. Identifiers: MedGen C3463992, MONDO:0010632, OMIM 308350. Disease mechanism: loss of function.

Allele frequency attached by ClinVar (database versions not stated): gnomAD exomes below 0.00001; ExAC 0.00001; gnomAD 0.00001; TOPMed 0.00001.
gnomAD v4.1: 6 of 1,613,550 alleles (0.00037%); highest among the groups gnomAD compares: Non-Finnish European, 0.00034%; no homozygotes.

Submissions (2):

Labcorp Genetics (formerly Invitae), Labcorp
Classification: Uncertain significance for Developmental and epileptic encephalopathy, 1; Autosomal dominant nonsyndromic hearing loss 65. Last evaluated: 2025-11-03. Review status: criteria provided, single submitter. Criteria: Invitae Variant Classification Sherloc (09022015). Collection method: clinical testing. Allele origin: germline.
Comment: This sequence change replaces arginine, which is basic and polar, with glutamine, which is neutral and polar, at codon 51 of the TBC1D24 protein (p.Arg51Gln). The frequency data for this variant in the population databases is considered unreliable, as metrics indicate poor data quality at this position in the gnomAD database. This missense change has been observed in individual(s) with clinical features of TBC1D24-related conditions (PMID: 33726816). ClinVar contains an entry for this variant (Variation ID: 1005891). Invitae Evidence Modeling of protein sequence and biophysical properties (such as structural, functional, and spatial information, amino acid conservation, physicochemical variation, residue mobility, and thermodynamic stability) indicates that this missense variant is expected to disrupt TBC1D24 protein function with a positive predictive value of 95%. In summary, the available evidence is currently insufficient to determine the role of this variant in disease. Therefore, it has been classified as a Variant of Uncertain Significance.

Blueprint Genetics
Classification: Uncertain significance. Last evaluated: 2024-10-29. Review status: criteria provided, single submitter. Criteria: ACMG Guidelines, 2015. Collection method: clinical testing. Allele origin: germline.

Literature cited by the submitters: PubMed 33726816 (cited by Labcorp Genetics (formerly Invitae), Labcorp).